The following is an entry in ClinVar:

ClinVar aggregate classification (germline): Conflicting classifications of pathogenicity. Review status: criteria provided, conflicting classifications (1 of 4 stars). 3 submissions from 3 submitters: Uncertain significance (2); Likely benign (1). Last evaluated 2025-04-14.

Conditions:
Inborn genetic diseases. Identifiers: MedGen C0950123, MeSH D030342.

gnomAD v4.1: 2 of 1,613,790 alleles (0.00012%); highest among the groups gnomAD compares: Admixed American, 0.0033%; no homozygotes.

Submissions (3):

Ambry Genetics
Classification: Likely benign for Inborn genetic diseases. Last evaluated: 2025-04-14. Review status: criteria provided, single submitter. Criteria: Ambry Variant Classification Scheme 2023. Collection method: clinical testing. Allele origin: germline.

Dasa
Classification: Uncertain significance. Last evaluated: 2025-03-26. Review status: criteria provided, single submitter. Criteria: DASA Assertion Criteria. Collection method: clinical testing. Allele origin: germline.
Comment: NM_015100.4(POGZ):c.1553A>C (p.Glu518Ala) is a missense variant that results in the substitution of glutamic acid with alanine. This variant is rare in population databases. The currently available literature and clinical evidence are not sufficient to establish a definitive association between this variant and the reported condition. Therefore, this variant is classified as a variant of uncertain significance.

Labcorp Genetics (formerly Invitae), Labcorp
Classification: Uncertain significance. Last evaluated: 2024-11-15. Review status: criteria provided, single submitter. Criteria: Invitae Variant Classification Sherloc (09022015). Collection method: clinical testing. Allele origin: germline.
Comment: This sequence change replaces glutamic acid, which is acidic and polar, with alanine, which is neutral and non-polar, at codon 518 of the POGZ protein (p.Glu518Ala). This variant is present in population databases (no rsID available, gnomAD 0.006%). This variant has not been reported in the literature in individuals affected with POGZ-related conditions. Invitae Evidence Modeling of protein sequence and biophysical properties (such as structural, functional, and spatial information, amino acid conservation, physicochemical variation, residue mobility, and thermodynamic stability) indicates that this missense variant is not expected to disrupt POGZ protein function with a negative predictive value of 80%. In summary, the available evidence is currently insufficient to determine the role of this variant in disease. Therefore, it has been classified as a Variant of Uncertain Significance.

NM_015100.4(POGZ):c.1553A>C (p.Glu518Ala)

Gene: POGZ (pogo transposable element derived with ZNF domain; minus strand). Cytogenetic location: 1q21.3.
Variant type: single nucleotide variant.
Coding change: c.1553A>C on transcript NM_015100.4 (MANE Select); coding-DNA position 1553, A replaced by C.
Protein change: p.Glu518Ala; replaces glutamic acid 518 with alanine.
Molecular consequence: missense variant.
Genome position (GRCh38, 1-based): chr1:151,423,522, T>G on the plus strand (A>C on the coding strand, the complement: POGZ is on the minus strand). VCF-style: chr1-151423522-T-G. GRCh37 (hg19) VCF-style: chr1-151395998-T-G.
Other names: c.1394A>C, p.Glu465Ala (NM_207171.2); c.1526A>C, p.Glu509Ala (NM_001194937.2); c.1367A>C, p.Glu456Ala (NM_001194938.2); c.1574A>C, p.Glu525Ala (NM_001410860.1); c.1268A>C, p.Glu423Ala (NM_145796.4); c.1553A>C (NM_015100.3); short protein forms E509A, E456A, E423A, E465A, E518A, E525A.
Identifiers: ClinVar variation 3703036 (VCV003703036.5).